The following is an entry in ClinVar:

ClinVar aggregate classification (germline): Conflicting classifications of pathogenicity. Review status: criteria provided, conflicting classifications (1 of 4 stars). 3 submissions from 3 submitters: Uncertain significance (2); Likely benign (1). Last evaluated 2025-09-24.

Conditions:
Cardiovascular phenotype. Identifiers: MedGen CN230736.
Dilated cardiomyopathy 1DD (CMD1DD). Identifiers: Orphanet 154, MedGen C2750995, MONDO:0013168, OMIM 613172.

Allele frequency attached by ClinVar (database versions not stated): TOPMed 0.00001; gnomAD exomes 0.00002 and 0.00006.
gnomAD v4.1: 12 of 1,551,732 alleles (0.00077%); highest among the groups gnomAD compares: Admixed American, 0.024%; no homozygotes.

Submissions (3):

Labcorp Genetics (formerly Invitae), Labcorp
Classification: Likely benign for Dilated cardiomyopathy 1DD. Last evaluated: 2025-09-24. Review status: criteria provided, single submitter. Criteria: Invitae Variant Classification Sherloc (09022015). Collection method: clinical testing. Allele origin: germline.

GeneDx
Classification: Uncertain significance. Last evaluated: 2025-06-01. Review status: criteria provided, single submitter. Criteria: GeneDx Variant Classification Process June 2021. Collection method: clinical testing. Allele origin: germline. Affected: yes.
Comment: In silico analysis suggests that this missense variant does not alter protein structure/function; Has not been previously published as pathogenic or benign to our knowledge

Ambry Genetics
Classification: Uncertain significance for Cardiovascular phenotype. Last evaluated: 2022-09-05. Review status: criteria provided, single submitter. Criteria: Ambry Variant Classification Scheme 2023. Collection method: clinical testing. Allele origin: germline.
Comment: The p.L718V variant (also known as c.2152C>G), located in coding exon 9 of the RBM20 gene, results from a C to G substitution at nucleotide position 2152. The leucine at codon 718 is replaced by valine, an amino acid with highly similar properties. This amino acid position is conserved. In addition, this alteration is predicted to be tolerated by in silico analysis. Since supporting evidence is limited at this time, the clinical significance of this alteration remains unclear.

NM_001134363.3(RBM20):c.2152C>G (p.Leu718Val)

Gene: RBM20 (RNA binding motif protein 20; plus strand). Cytogenetic location: 10q25.2.
Variant type: single nucleotide variant.
Coding change: c.2152C>G on transcript NM_001134363.3 (MANE Select); coding-DNA position 2152, C replaced by G.
Protein change: p.Leu718Val; replaces leucine 718 with valine.
Molecular consequence: missense variant.
Genome position (GRCh38, 1-based): chr10:110,812,549, C>G. VCF-style: chr10-110812549-C-G. GRCh37 (hg19) VCF-style: chr10-112572307-C-G.
Other names: short protein forms L718V.
Identifiers: ClinVar variation 1458051 (VCV001458051.11), dbSNP rs1024449251, ClinGen allele CA213223846.